The following is an entry in ClinVar:

NM_006516.4(SLC2A1):c.1132_1133delinsGC (p.Phe378Ala)

Gene: SLC2A1 (solute carrier family 2 member 1; minus strand). Cytogenetic location: 1p34.2.
Variant type: Indel.
Coding change: c.1132_1133delinsGC on transcript NM_006516.4 (MANE Select); coding-DNA positions 1132 to 1133, TT replaced by GC.
Protein change: p.Phe378Ala; replaces phenylalanine 378 with alanine.
Molecular consequence: missense variant.
Genome position (GRCh38, 1-based): chr1:42,927,750-42,927,751, AA replaced by GC on the plus strand (TT replaced by GC on the coding strand, the reverse complement: SLC2A1 is on the minus strand). VCF-style: chr1-42927750-AA-GC. GRCh37 (hg19) VCF-style: chr1-43393421-AA-GC.
Other names: short protein forms F378A.
Identifiers: ClinVar variation 3363596 (VCV003363596.2).

ClinVar aggregate classification (germline): Uncertain significance. Review status: criteria provided, multiple submitters, no conflicts (2 of 4 stars). 2 submissions from 2 submitters: Uncertain significance (2). Last evaluated 2025-10-02.

Conditions:
GLUT1 deficiency syndrome 1, autosomal recessive. Identifiers: MedGen C3149117.

Submissions (2):

Labcorp Genetics (formerly Invitae), Labcorp
Classification: Uncertain significance for GLUT1 deficiency syndrome 1, autosomal recessive. Last evaluated: 2025-10-02. Review status: criteria provided, single submitter. Criteria: Invitae Variant Classification Sherloc (09022015). Collection method: clinical testing. Allele origin: germline.
Comment: This sequence change replaces phenylalanine, which is neutral and non-polar, with alanine, which is neutral and non-polar, at codon 378 of the SLC2A1 protein (p.Phe378Ala). Information on the frequency of this variant in the gnomAD database is not available, as this variant may be reported differently in the database. This variant has not been reported in the literature in individuals affected with SLC2A1-related conditions. ClinVar contains an entry for this variant (Variation ID: 3363596). An algorithm developed to predict the effect of missense changes on protein structure and function (PolyPhen-2) suggests that this variant is likely to be disruptive. In summary, the available evidence is currently insufficient to determine the role of this variant in disease. Therefore, it has been classified as a Variant of Uncertain Significance.

GeneDx
Classification: Uncertain significance. Last evaluated: 2023-10-31. Review status: criteria provided, single submitter. Criteria: GeneDx Variant Classification Process June 2021. Collection method: clinical testing. Allele origin: germline. Affected: yes.
Comment: Not observed at significant frequency in large population cohorts (gnomAD); In silico analysis supports a deleterious effect on protein structure/function; Has not been previously published as pathogenic or benign to our knowledge